The following is an entry in ClinVar:

NM_000352.6(ABCC8):c.496C>T (p.Gln166Ter)

Gene: ABCC8 (ATP binding cassette subfamily C member 8; minus strand). Cytogenetic location: 11p15.1.
Variant type: single nucleotide variant.
Coding change: c.496C>T on transcript NM_000352.6 (MANE Select); coding-DNA position 496, C replaced by T.
Protein change: p.Gln166Ter; replaces glutamine 166 with a stop codon.
Molecular consequence: nonsense. On other transcripts: non-coding transcript variant (1).
Genome position (GRCh38, 1-based): chr11:17,463,521, G>A on the plus strand (C>T on the coding strand, the complement: ABCC8 is on the minus strand). VCF-style: chr11-17463521-G-A. GRCh37 (hg19) VCF-style: chr11-17485068-G-A.
Other names: c.496C>T, p.Gln166Ter (NM_001287174.3, NM_001351295.2, NM_001351296.2 and 1 more transcripts); short protein forms Q166*.
Identifiers: ClinVar variation 652127 (VCV000652127.9), dbSNP rs1591896370, ClinGen allele CA379780030.

ClinVar aggregate classification (germline): Pathogenic/Likely pathogenic. Review status: criteria provided, multiple submitters, no conflicts (2 of 4 stars). 2 submissions from 2 submitters: Pathogenic (1); Likely pathogenic (1). Last evaluated 2024-03-06.

Conditions:
Diabetes mellitus, permanent neonatal 3. Also called: ABCC8-Related Permanent Neonatal Diabetes Mellitus. Identifiers: MedGen C5394303, MONDO:0030088, OMIM 618857.
Diabetes mellitus, transient neonatal, 2 (TNDM2). Identifiers: Orphanet 99886, MedGen C1835887, MONDO:0012480, OMIM 610374. Disease mechanism: loss of function.
Leucine-induced hypoglycemia (LIH). Also called: LEUCINE-SENSITIVE HYPOGLYCEMIA OF INFANCY. Identifiers: MedGen C0271714, MONDO:0009415, OMIM 240800.
Hyperinsulinemic hypoglycemia, familial, 1 (HHF1). Also called: Persistent hyperinsulinemic hypoglycemia of infancy; Persistent Hyperinsulinemia Hypoglycemia of Infancy; HYPERINSULINISM, FAMILIAL, WITH PANCREATIC NESIDIOBLASTOSIS; HYPOGLYCEMIA, HYPERINSULINEMIC, OF INFANCY; NESIDIOBLASTOSIS OF PANCREAS. Identifiers: Orphanet 276575, Orphanet 276598, MedGen C2931832, MONDO:0009734, OMIM 256450.
Type 2 diabetes mellitus. Also called: Type II diabetes mellitus. Identifiers: MedGen C0011860, MeSH D003924, MONDO:0005148, OMIM 125853, HP:0005978.

Submissions (2):

Fulgent Genetics
Classification: Likely pathogenic for Type 2 diabetes mellitus; Leucine-induced hypoglycemia; Hyperinsulinemic hypoglycemia, familial, 1; Diabetes mellitus, transient neonatal, 2; Diabetes mellitus, permanent neonatal 3. Last evaluated: 2024-03-06. Review status: criteria provided, single submitter. Criteria: ACMG Guidelines, 2015. Collection method: clinical testing. Allele origin: germline.

Labcorp Genetics (formerly Invitae), Labcorp
Classification: Pathogenic. Last evaluated: 2023-03-04. Review status: criteria provided, single submitter. Criteria: Invitae Variant Classification Sherloc (09022015). Collection method: clinical testing. Allele origin: germline.
Comment: For these reasons, this variant has been classified as Pathogenic. ClinVar contains an entry for this variant (Variation ID: 652127). This premature translational stop signal has been observed in individual(s) with congenital hyperinsulinism (PMID: 20685672). This variant is not present in population databases (gnomAD no frequency). This sequence change creates a premature translational stop signal (p.Gln166*) in the ABCC8 gene. It is expected to result in an absent or disrupted protein product. Loss-of-function variants in ABCC8 are known to be pathogenic (PMID: 20685672, 23345197).

Literature cited by the submitters: PubMed 20685672 (cited by Labcorp Genetics (formerly Invitae), Labcorp); PubMed 23345197 (cited by Labcorp Genetics (formerly Invitae), Labcorp).